The following is an entry in ClinVar:

NM_020989.4(CRYGC):c.417C>G (p.Tyr139Ter)

Genes: CRYGC (crystallin gamma C; minus strand), LOC100507443 (uncharacterized LOC100507443; plus strand). Cytogenetic location: 2q33.3.
Variant type: single nucleotide variant.
Coding change: c.417C>G on transcript NM_020989.4 (MANE Select); coding-DNA position 417, C replaced by G.
Protein change: p.Tyr139Ter; replaces tyrosine 139 with a stop codon.
Molecular consequence: nonsense.
Genome position (GRCh38, 1-based): chr2:208,128,311, G>C on the plus strand (C>G on the coding strand, the complement: CRYGC is on the minus strand). VCF-style: chr2-208128311-G-C. GRCh37 (hg19) VCF-style: chr2-208993035-G-C.
Other names: short protein forms Y139*.
Identifiers: ClinVar variation 3347843 (VCV003347843.1).
Genomic context (GRCh38, chr2:208,128,311, plus strand): 5'-GGCCCCCCAGTCCTGGCACCGCCTGTACTCTTGGGGCCTCAGCAGGTATTGCCGCCCCCG[G>C]TAGTTGGGCAGCTCGTAGAGGACCCAGCAGCCCTCCAGCACGTGGAGGGAACGGATCTCG-3'

ClinVar aggregate classification (germline): Pathogenic (0 of 4 stars; one submission).

Conditions:
CRYGC-related disorder. Also called: CRYGC-related condition.

Submission:

PreventionGenetics, part of Exact Sciences
Classification: Pathogenic for CRYGC-related condition. Last evaluated: 2024-09-12. Review status: no assertion criteria provided. Collection method: clinical testing. Allele origin: germline.
Comment: The CRYGC c.417C>G variant is predicted to result in premature protein termination (p.Tyr139*). This variant has been reported in individuals from one family and segregated with congenital cataract, microphthalmia/microcornea, glaucoma, and corneal opacity (Table 1, Reis et al. 2013. PubMed ID: 23508780). This variant has not been reported in a large population database, indicating this variant is rare. Of note, a different nucleotide change (c.417C>A) leading to the same nonsense variant (p.Tyr139*) has been reported in individuals in one family and segregated with congenital nuclear cataract and microcornea (Family 10185, Zhong. 2017. PubMed ID: 28298635). Nonsense variants in CRYGC are expected to be pathogenic. This variant is interpreted as pathogenic.